The following is an entry in ClinVar:

NM_206933.4(USH2A):c.4305A>G (p.Lys1435=)

Gene: USH2A (usherin; minus strand). Cytogenetic location: 1q41.
Variant type: single nucleotide variant.
Coding change: c.4305A>G on transcript NM_206933.4 (MANE Select); coding-DNA position 4305, A replaced by G.
Protein change: p.Lys1435=; no amino-acid change (lysine 1435 retained).
Molecular consequence: synonymous variant.
Genome position (GRCh38, 1-based): chr1:216,190,314, T>C on the plus strand (A>G on the coding strand, the complement: USH2A is on the minus strand). VCF-style: chr1-216190314-T-C. GRCh37 (hg19) VCF-style: chr1-216363656-T-C.
Other names: c.4305A>G, p.Lys1435= (NM_007123.6).
Identifiers: ClinVar variation 1116981 (VCV001116981.16), dbSNP rs764720417, ClinGen allele CA1395752.

ClinVar aggregate classification (germline): Likely benign. Review status: criteria provided, multiple submitters, no conflicts (2 of 4 stars). 2 submissions from 2 submitters: Likely benign (2). Last evaluated 2025-11-01.

Allele frequency attached by ClinVar (database versions not stated): gnomAD exomes below 0.00001; ExAC 0.00001; gnomAD 0.00002; TOPMed 0.00002.
gnomAD v4.1: 6 of 1,612,114 alleles (0.00037%); highest among the groups gnomAD compares: Non-Finnish European, 0.00051%; no homozygotes.

Submissions (2):

CeGaT Center for Human Genetics Tuebingen
Classification: Likely benign. Last evaluated: 2025-11-01. Review status: criteria provided, single submitter. Criteria: CeGaT Center For Human Genetics Tuebingen Variant Classification Criteria Version 2. Collection method: clinical testing. Allele origin: germline. Affected: yes. Observed: 1 variant allele.
Comment: USH2A: BP4, BP7

Labcorp Genetics (formerly Invitae), Labcorp
Classification: Likely benign. Last evaluated: 2024-12-30. Review status: criteria provided, single submitter. Criteria: Invitae Variant Classification Sherloc (09022015). Collection method: clinical testing. Allele origin: germline.